The following is an entry in ClinVar:

NM_022489.4(INF2):c.2841G>C (p.Glu947Asp)

Gene: INF2 (inverted formin 2; plus strand). Cytogenetic location: 14q32.33.
Variant type: single nucleotide variant.
Coding change: c.2841G>C on transcript NM_022489.4 (MANE Select); coding-DNA position 2841, G replaced by C.
Protein change: p.Glu947Asp; replaces glutamic acid 947 with aspartic acid.
Molecular consequence: missense variant.
Genome position (GRCh38, 1-based): chr14:104,713,272, G>C. VCF-style: chr14-104713272-G-C. GRCh37 (hg19) VCF-style: chr14-105179609-G-C.
Other names: c.2841G>C, p.Glu947Asp (NM_001031714.4); short protein forms E947D.
Identifiers: ClinVar variation 834696 (VCV000834696.10), dbSNP rs1243295333, ClinGen allele CA391222759.

ClinVar aggregate classification (germline): Uncertain significance. Review status: criteria provided, multiple submitters, no conflicts (2 of 4 stars). 2 submissions from 2 submitters: Uncertain significance (2). Last evaluated 2026-03-11.

Conditions:
Focal segmental glomerulosclerosis 5 (FSGS5). Identifiers: Orphanet 656, MedGen C2750475, MONDO:0013191, OMIM 613237.
Charcot-Marie-Tooth disease dominant intermediate E. Also called: CHARCOT-MARIE-TOOTH NEUROPATHY WITH FOCAL SEGMENTAL GLOMERULONEPHRITIS. Identifiers: Orphanet 93114, MedGen C4302667, MONDO:0013758, OMIM 614455.

Allele frequency attached by ClinVar (database versions not stated): gnomAD exomes 0.00001.
gnomAD v4.1: 16 of 1,550,932 alleles (0.001%); highest among the groups gnomAD compares: Non-Finnish European, 0.0014%; no homozygotes.

Submissions (2):

GeneDx
Classification: Uncertain significance. Last evaluated: 2026-03-11. Review status: criteria provided, single submitter. Criteria: GeneDx Variant Classification Process June 2021. Collection method: clinical testing. Allele origin: germline.
Comment: Not observed at significant frequency in large population cohorts (gnomAD); In silico analysis supports that this missense variant has a deleterious effect on protein structure/function; Has not been previously published as pathogenic or benign to our knowledge

Labcorp Genetics (formerly Invitae), Labcorp
Classification: Uncertain significance for Charcot-Marie-Tooth disease dominant intermediate E; Focal segmental glomerulosclerosis 5. Last evaluated: 2019-05-14. Review status: criteria provided, single submitter. Criteria: Invitae Variant Classification Sherloc (09022015). Collection method: clinical testing. Allele origin: germline.
Comment: This sequence change replaces glutamic acid with aspartic acid at codon 947 of the INF2 protein (p.Glu947Asp). The glutamic acid residue is moderately conserved and there is a small physicochemical difference between glutamic acid and aspartic acid. In summary, the available evidence is currently insufficient to determine the role of this variant in disease. Therefore, it has been classified as a Variant of Uncertain Significance. Algorithms developed to predict the effect of missense changes on protein structure and function output the following: SIFT: "Tolerated"; PolyPhen-2: "Not Available"; Align-GVGD: "Class C0". The aspartic acid amino acid residue is found in multiple mammalian species, suggesting that this missense change does not adversely affect protein function. These predictions have not been confirmed by published functional studies and their clinical significance is uncertain. This variant has not been reported in the literature in individuals with INF2-related conditions. This variant is not present in population databases (ExAC no frequency).